The following is an entry in ClinVar:

NM_001170629.2(CHD8):c.890G>T (p.Gly297Val)

Gene: CHD8 (chromodomain helicase DNA binding protein 8; minus strand). Cytogenetic location: 14q11.2.
Variant type: single nucleotide variant.
Coding change: c.890G>T on transcript NM_001170629.2 (MANE Select); coding-DNA position 890, G replaced by T.
Protein change: p.Gly297Val; replaces glycine 297 with valine.
Molecular consequence: missense variant.
Genome position (GRCh38, 1-based): chr14:21,429,289, C>A on the plus strand (G>T on the coding strand, the complement: CHD8 is on the minus strand). VCF-style: chr14-21429289-C-A. GRCh37 (hg19) VCF-style: chr14-21897448-C-A.
Other names: c.53G>T, p.Gly18Val (NM_020920.4); c.890G>T (NM_001170629.1); short protein forms G18V, G297V.
Identifiers: ClinVar variation 1918484 (VCV001918484.6), dbSNP rs563331377, ClinGen allele CA7091870.
Genomic context (GRCh38, chr14:21,429,289, plus strand): 5'-TGTAACACTATCTTGCCTGGTAGACTCCCTAGCACAACATGCCGATGTCCTTGGGGACCT[C>A]CAGACTGTGGCTGCTGGAGGACCAGGGTGATGCGTTTCGATTCACCCTAAAGTGAAGAAA-3'
Protein context (NP_001164100.1, residues 287-307): ITLVLQQPQS[Gly297Val]GPQGHRHVVL

ClinVar aggregate classification (germline): Uncertain significance. Review status: criteria provided, multiple submitters, no conflicts (2 of 4 stars). 2 submissions from 2 submitters: Uncertain significance (2). Last evaluated 2024-12-11.

Allele frequency attached by ClinVar (database versions not stated): ExAC 0.00001; gnomAD 0.00001; 1000 Genomes Project 30x 0.00016; 1000 Genomes Project 0.00020.

Submissions (2):

GeneDx
Classification: Uncertain significance. Last evaluated: 2024-12-11. Review status: criteria provided, single submitter. Criteria: GeneDx Variant Classification Process June 2021. Collection method: clinical testing. Allele origin: germline. Affected: yes.
Comment: Not observed at significant frequency in large population cohorts (gnomAD); In silico analysis supports that this missense variant has a deleterious effect on protein structure/function; Has not been previously published as pathogenic or benign to our knowledge

Labcorp Genetics (formerly Invitae), Labcorp
Classification: Uncertain significance. Last evaluated: 2023-03-23. Review status: criteria provided, single submitter. Criteria: Invitae Variant Classification Sherloc (09022015). Collection method: clinical testing. Allele origin: germline.
Comment: This sequence change replaces glycine, which is neutral and non-polar, with valine, which is neutral and non-polar, at codon 297 of the CHD8 protein (p.Gly297Val). This variant is present in population databases (rs563331377, gnomAD 0.006%). This variant has not been reported in the literature in individuals affected with CHD8-related conditions. ClinVar contains an entry for this variant (Variation ID: 1918484). An algorithm developed to predict the effect of missense changes on protein structure and function (PolyPhen-2) suggests that this variant is likely to be tolerated. In summary, the available evidence is currently insufficient to determine the role of this variant in disease. Therefore, it has been classified as a Variant of Uncertain Significance.